The following is an entry in ClinVar:

ClinVar aggregate classification (germline): Uncertain significance (1 of 4 stars; one submission).

gnomAD v4.1: 2 of 1,614,104 alleles (0.00012%); highest among the groups gnomAD compares: Non-Finnish European, 0.00017%; no homozygotes.

Submission:

Labcorp Genetics (formerly Invitae), Labcorp
Classification: Uncertain significance. Last evaluated: 2025-03-17. Review status: criteria provided, single submitter. Criteria: Invitae Variant Classification Sherloc (09022015). Collection method: clinical testing. Allele origin: germline.
Comment: This sequence change replaces alanine, which is neutral and non-polar, with threonine, which is neutral and polar, at codon 301 of the EMC1 protein (p.Ala301Thr). This variant is not present in population databases (gnomAD no frequency). This variant has not been reported in the literature in individuals affected with EMC1-related conditions. ClinVar contains an entry for this variant (Variation ID: 1403522). Invitae Evidence Modeling of protein sequence and biophysical properties (such as structural, functional, and spatial information, amino acid conservation, physicochemical variation, residue mobility, and thermodynamic stability) indicates that this missense variant is not expected to disrupt EMC1 protein function with a negative predictive value of 80%. In summary, the available evidence is currently insufficient to determine the role of this variant in disease. Therefore, it has been classified as a Variant of Uncertain Significance.

NM_015047.3(EMC1):c.901G>A (p.Ala301Thr)

Genes: EMC1 (ER membrane protein complex subunit 1; minus strand), EMC1-AS1 (EMC1 antisense RNA 1; plus strand). Cytogenetic location: 1p36.13.
Variant type: single nucleotide variant.
Coding change: c.901G>A on transcript NM_015047.3 (MANE Select); coding-DNA position 901, G replaced by A.
Protein change: p.Ala301Thr; replaces alanine 301 with threonine.
Molecular consequence: missense variant.
Genome position (GRCh38, 1-based): chr1:19,239,871, C>T on the plus strand (G>A on the coding strand, the complement: EMC1 is on the minus strand). VCF-style: chr1-19239871-C-T. GRCh37 (hg19) VCF-style: chr1-19566365-C-T.
Other names: c.901G>A, p.Ala301Thr (NM_001271427.2, NM_001271428.2, NM_001375820.1 and 1 more transcripts); c.835G>A, p.Ala279Thr (NM_001271429.2); short protein forms A279T, A301T.
Identifiers: ClinVar variation 1403522 (VCV001403522.6), dbSNP rs2151958165, ClinGen allele CA338768075.
Genomic context (GRCh38, chr1:19,239,871, plus strand): 5'-CAGTTACCTGTGGGAAGTTTTTAAGCAAACTCAGCGTTCCATAATGGTACTGCAGCAGAG[C>T]ATAGTGGCTTGGGGACAAGTGCAGGAAGAACTGGGCCCGGGAAGCGTCCACTGGGTTGGG-3'
Protein context (NP_055862.1, residues 291-311): FFLHLSPSHY[Ala301Thr]LLQYHYGTLS